The following is an entry in ClinVar:

ClinVar aggregate classification (germline): Benign. Review status: criteria provided, multiple submitters, no conflicts (2 of 4 stars). 3 submissions from 3 submitters: Benign (2). 1 of the submissions does not count toward it. Last evaluated 2021-05-04.

Conditions:
ARID2-related disorder. Also called: ARID2-related condition.

Allele frequency attached by ClinVar (database versions not stated): ExAC 0.03012; gnomAD 0.08520 and 0.09069; TOPMed 0.09446; ESP Exome Variant Server 0.09519; 1000 Genomes Project 0.10004; 1000 Genomes Project 30x 0.10462.
gnomAD v4.1: 26,991 of 1,614,004 alleles (1.7%); highest among the groups gnomAD compares: African/African-American, 30%; 3,527 homozygotes.

Submissions (3):

GeneDx
Classification: Benign. Last evaluated: 2021-05-04. Review status: criteria provided, single submitter. Criteria: GeneDx Variant Classification Process June 2021. Collection method: clinical testing. Allele origin: germline. Affected: yes.

Breakthrough Genomics
Classification: Benign. Review status: criteria provided, single submitter. Criteria: ACMG Guidelines, 2015. Collection method: not provided. Allele origin: germline. Inheritance: Autosomal dominant inheritance. Affected: yes.

PreventionGenetics, part of Exact Sciences
Classification: Benign for ARID2-related condition. Last evaluated: 2019-12-09. Review status: no assertion criteria provided. Collection method: clinical testing. Allele origin: germline. Not counted in ClinVar's aggregate classification.
Comment: This variant is classified as benign based on ACMG/AMP sequence variant interpretation guidelines (Richards et al. 2015 PMID: 25741868, with internal and published modifications).

NM_152641.4(ARID2):c.3171G>A (p.Ser1057=)

Gene: ARID2 (AT-rich interaction domain 2; plus strand). Cytogenetic location: 12q12.
Variant type: single nucleotide variant.
Coding change: c.3171G>A on transcript NM_152641.4 (MANE Select); coding-DNA position 3171, G replaced by A.
Protein change: p.Ser1057=; no amino-acid change (serine 1057 retained).
Molecular consequence: synonymous variant.
Genome position (GRCh38, 1-based): chr12:45,851,294, G>A. VCF-style: chr12-45851294-G-A. GRCh37 (hg19) VCF-style: chr12-46245077-G-A.
Other names: c.3171G>A, p.Ser1057= (NM_001347839.2); c.3171G>A (NM_152641.3).
Identifiers: ClinVar variation 1268505 (VCV001268505.4), dbSNP rs7296694, ClinGen allele CA6526426.